The following is an entry in ClinVar:

NM_001008212.2(OPTN):c.885T>C (p.Val295=)

Gene: OPTN (optineurin; plus strand). Cytogenetic location: 10p13.
Variant type: single nucleotide variant.
Coding change: c.885T>C on transcript NM_001008212.2 (MANE Select); coding-DNA position 885, T replaced by C.
Protein change: p.Val295=; no amino-acid change (valine 295 retained).
Molecular consequence: synonymous variant.
Genome position (GRCh38, 1-based): chr10:13,123,997, T>C. VCF-style: chr10-13123997-T-C. GRCh37 (hg19) VCF-style: chr10-13165997-T-C.
Other names: c.885T>C, p.Val295= (NM_001008211.1, NM_001008213.1, NM_021980.4).
Identifiers: ClinVar variation 5039209 (VCV005039209.1).

ClinVar aggregate classification (germline): Likely benign (1 of 4 stars; one submission).

gnomAD v4.1: 7 of 1,610,600 alleles (0.00043%); highest among the groups gnomAD compares: Admixed American, 0.0033%; no homozygotes.

Submission:

CeGaT Center for Human Genetics Tuebingen
Classification: Likely benign. Last evaluated: 2026-08-01. Review status: criteria provided, single submitter. Criteria: CeGaT Center For Human Genetics Tuebingen Variant Classification Criteria Version 2. Collection method: clinical testing. Allele origin: germline. Affected: yes. Observed: 1 variant allele.
Comment: OPTN: BP4, BP7